The following is an entry in ClinVar:

ClinVar aggregate classification (germline): Likely pathogenic (1 of 4 stars; one submission).

Conditions:
Mucopolysaccharidosis, MPS-III-B (MPS3B). Also called: MPS IIIB (Sanfilippo Syndrome Type B); MUCOPOLYSACCHARIDOSIS, TYPE IIIB; Mucopolysaccharidosis type IIIB (Sanfilippo B); N-ACETYL-ALPHA-D-GLUCOSAMINIDASE DEFICIENCY; NAGLU DEFICIENCY; SANFILIPPO SYNDROME B. Identifiers: Orphanet 79270, MedGen C0086648, MONDO:0009656, OMIM 252920.

Allele frequency attached by ClinVar (database versions not stated): gnomAD exomes below 0.00001; gnomAD 0.00001.
gnomAD v4.1: 2 of 1,614,152 alleles (0.00012%); highest among the groups gnomAD compares: Non-Finnish European, 0.00017%; no homozygotes.

Submission:

Myriad Genetics, Inc.
Classification: Likely pathogenic for Mucopolysaccharidosis, MPS-III-B. Last evaluated: 2019-01-24. Review status: criteria provided, single submitter. Criteria: Myriad Women's Health Autosomal Recessive and X-Linked Classification Criteria (2019). Collection method: clinical testing. Allele origin: unknown.
Comment: NM_000263.3(NAGLU):c.556C>T(Q186*) is expected to be pathogenic in the context of mucopolysaccharidosis type IIIB. This variant is predicted to lead to an abnormal or absent protein product due to the creation of a premature termination codon in NAGLU, a gene where loss-of-function variants are known to be pathogenic. Please note: this variant was assessed in the context of healthy population screening.

NM_000263.4(NAGLU):c.556C>T (p.Gln186Ter)

Gene: NAGLU (N-acetyl-alpha-glucosaminidase; plus strand). Cytogenetic location: 17q21.2.
Variant type: single nucleotide variant.
Coding change: c.556C>T on transcript NM_000263.4 (MANE Select); coding-DNA position 556, C replaced by T.
Protein change: p.Gln186Ter; replaces glutamine 186 with a stop codon.
Molecular consequence: nonsense.
Genome position (GRCh38, 1-based): chr17:42,538,363, C>T. VCF-style: chr17-42538363-C-T. GRCh37 (hg19) VCF-style: chr17-40690381-C-T.
Other names: short protein forms Q186*.
Identifiers: ClinVar variation 983995 (VCV000983995.3), dbSNP rs1270564492, ClinGen allele CA399598376.